The following is an entry in ClinVar:

ClinVar aggregate classification (germline): Uncertain significance (1 of 4 stars; one submission).

Conditions:
Hereditary cancer-predisposing syndrome. Also called: Neoplastic Syndromes, Hereditary; Tumor predisposition; Hereditary neoplastic syndrome; Hereditary Cancer Syndrome. Identifiers: Orphanet 140162, MedGen C0027672, MeSH D009386, MONDO:0015356.

Submission:

Ambry Genetics
Classification: Uncertain significance for Hereditary cancer-predisposing syndrome. Last evaluated: 2026-07-07. Review status: criteria provided, single submitter. Criteria: Ambry Variant Classification Scheme 2023. Collection method: clinical testing. Allele origin: germline.
Comment: The p.A127T variant (also known as c.379G>A), located in coding exon 3 of the PRKAR1A gene, results from a G to A substitution at nucleotide position 379. The alanine at codon 127 is replaced by threonine, an amino acid with similar properties. This amino acid position is conserved. In addition, this alteration is predicted to be deleterious by in silico analysis. Based on the available evidence, the clinical significance of this variant remains unclear.

NM_002734.5(PRKAR1A):c.379G>A (p.Ala127Thr)

Gene: PRKAR1A (protein kinase cAMP-dependent type I regulatory subunit alpha; plus strand). Cytogenetic location: 17q24.2.
Variant type: single nucleotide variant.
Coding change: c.379G>A on transcript NM_002734.5 (MANE Select); coding-DNA position 379, G replaced by A.
Protein change: p.Ala127Thr; replaces alanine 127 with threonine.
Molecular consequence: missense variant.
Genome position (GRCh38, 1-based): chr17:68,523,755, G>A. VCF-style: chr17-68523755-G-A. GRCh37 (hg19) VCF-style: chr17-66519896-G-A.
Other names: c.379G>A, p.Ala127Thr (NM_001276289.2, NM_001276290.1, NM_001278433.2 and 4 more transcripts); short protein forms A127T.
Identifiers: ClinVar variation 5027325 (VCV005027325.1).